The following is an entry in ClinVar:

NM_000064.4(C3):c.4093G>A (p.Val1365Ile)

Gene: C3 (complement C3; minus strand). Cytogenetic location: 19p13.3.
Variant type: single nucleotide variant.
Coding change: c.4093G>A on transcript NM_000064.4 (MANE Select); coding-DNA position 4093, G replaced by A.
Protein change: p.Val1365Ile; replaces valine 1365 with isoleucine.
Molecular consequence: missense variant.
Genome position (GRCh38, 1-based): chr19:6,684,587, C>T on the plus strand (G>A on the coding strand, the complement: C3 is on the minus strand). VCF-style: chr19-6684587-C-T. GRCh37 (hg19) VCF-style: chr19-6684598-C-T.
Other names: short protein forms V1365I.
Identifiers: ClinVar variation 2126683 (VCV002126683.4), dbSNP rs74722736, ClinGen allele CA9128531.

ClinVar aggregate classification (germline): Uncertain significance (1 of 4 stars; one submission).

Allele frequency attached by ClinVar (database versions not stated): ExAC 0.00001; gnomAD 0.00001; 1000 Genomes Project 30x 0.00016; 1000 Genomes Project 0.00020.
gnomAD v4.1: 2 of 1,614,038 alleles (0.00012%); highest among the groups gnomAD compares: Non-Finnish European, 0.00017%; no homozygotes.

Submission:

Labcorp Genetics (formerly Invitae), Labcorp
Classification: Uncertain significance. Last evaluated: 2022-04-16. Review status: criteria provided, single submitter. Criteria: Invitae Variant Classification Sherloc (09022015). Collection method: clinical testing. Allele origin: germline.
Comment: This variant is present in population databases (rs74722736, gnomAD 0.0009%). This sequence change replaces valine, which is neutral and non-polar, with isoleucine, which is neutral and non-polar, at codon 1365 of the C3 protein (p.Val1365Ile). This variant has not been reported in the literature in individuals affected with C3-related conditions. Algorithms developed to predict the effect of missense changes on protein structure and function output the following: SIFT: "Tolerated"; PolyPhen-2: "Benign"; Align-GVGD: "Class C0". The isoleucine amino acid residue is found in multiple mammalian species, which suggests that this missense change does not adversely affect protein function. In summary, the available evidence is currently insufficient to determine the role of this variant in disease. Therefore, it has been classified as a Variant of Uncertain Significance.